The following is an entry in ClinVar:

ClinVar aggregate classification (germline): Uncertain significance. Review status: criteria provided, multiple submitters, no conflicts (2 of 4 stars). 4 submissions from 4 submitters: Uncertain significance (4). Last evaluated 2025-12-01.

Conditions:
Cardiomyopathy (CMYO). Also called: Cardiomyopathies. Identifiers: Orphanet 167848, MedGen C0878544, MONDO:0004994, HP:0001638. Inheritance: Various modes of inheritance.
Catecholaminergic polymorphic ventricular tachycardia 1. Also called: VENTRICULAR TACHYCARDIA, STRESS-INDUCED POLYMORPHIC 1; VENTRICULAR TACHYCARDIA, CATECHOLAMINERGIC POLYMORPHIC, 1, WITH OR WITHOUT ATRIAL DYSFUNCTION AND/OR DILATED CARDIOMYOPATHY; RYR2-Related Catecholaminergic Polymorphic Ventricular Tachycardia. Identifiers: Orphanet 3286, MedGen C1631597, MONDO:0011484, OMIM 604772.
Catecholaminergic polymorphic ventricular tachycardia (CVPT). Also called: Catecholamine-induced polymorphic ventricular tachycardia. Identifiers: Orphanet 3286, MedGen C5574922, MONDO:0017990.

Allele frequency attached by ClinVar (database versions not stated): gnomAD 0.00001; TOPMed 0.00001.
gnomAD v4.1: 2 of 1,598,390 alleles (0.00013%); highest among the groups gnomAD compares: Non-Finnish European, 0.000086%; no homozygotes.

Submissions (4):

Labcorp Genetics (formerly Invitae), Labcorp
Classification: Uncertain significance for Catecholaminergic polymorphic ventricular tachycardia 1. Last evaluated: 2025-12-01. Review status: criteria provided, single submitter. Criteria: Invitae Variant Classification Sherloc (09022015). Collection method: clinical testing. Allele origin: germline.
Comment: This sequence change replaces alanine, which is neutral and non-polar, with serine, which is neutral and polar, at codon 3616 of the RYR2 protein (p.Ala3616Ser). This variant is not present in population databases (gnomAD no frequency). This missense change has been observed in individual(s) with atrioventricular nodal reentry tachycardia (PMID: 29396561). ClinVar contains an entry for this variant (Variation ID: 2443554). Invitae Evidence Modeling of protein sequence and biophysical properties (such as structural, functional, and spatial information, amino acid conservation, physicochemical variation, residue mobility, and thermodynamic stability) has been performed for this missense variant. However, the output from this modeling did not meet the statistical confidence thresholds required to predict the impact of this variant on RYR2 protein function. In summary, the available evidence is currently insufficient to determine the role of this variant in disease. Therefore, it has been classified as a Variant of Uncertain Significance.

All of Us Research Program, National Institutes of Health
Classification: Uncertain significance for Catecholaminergic polymorphic ventricular tachycardia. Last evaluated: 2024-07-10. Review status: criteria provided, single submitter. Criteria: ACMG Guidelines, 2015. Collection method: clinical testing. Allele origin: germline. Inheritance: Autosomal dominant inheritance. Observed: 3 variant alleles, 3 heterozygotes.
Comment: This missense variant replaces alanine with serine at codon 3616 of the RYR2 protein. Computational prediction is inconclusive regarding the impact of this variant on protein structure and function (internally defined REVEL score threshold 0.5 < inconclusive < 0.7, PMID: 27666373). To our knowledge, functional studies have not been reported for this variant. This variant has been reported in an individual affected with atrioventricular nodal reentrant tachycardia (PMID: 29396561). This variant has not been identified in the general population by the Genome Aggregation Database (gnomAD). The available evidence is insufficient to determine the role of this variant in disease conclusively. Therefore, this variant is classified as a Variant of Uncertain Significance.

This study involves interpretation of variants in research participants for the purpose of population health screening. Participant phenotype was not available at the time of variant classification. Additional details can be found in publication PMID: 35346344, PMCID: PMC8962531

Color Diagnostics, LLC DBA Color Health
Classification: Uncertain significance for Cardiomyopathy. Last evaluated: 2024-06-14. Review status: criteria provided, single submitter. Criteria: ACMG Guidelines, 2015. Collection method: clinical testing. Allele origin: germline.
Comment: This missense variant replaces alanine with serine at codon 3616 of the RYR2 protein. Computational prediction is inconclusive regarding the impact of this variant on protein structure and function (internally defined REVEL score threshold 0.5 < inconclusive < 0.7, PMID: 27666373). To our knowledge, functional studies have not been reported for this variant. This variant has been reported in an individual affected with atrioventricular nodal reentrant tachycardia (PMID: 29396561). This variant has not been identified in the general population by the Genome Aggregation Database (gnomAD). The available evidence is insufficient to determine the role of this variant in disease conclusively. Therefore, this variant is classified as a Variant of Uncertain Significance.

GeneDx
Classification: Uncertain significance. Last evaluated: 2022-09-08. Review status: criteria provided, single submitter. Criteria: GeneDx Variant Classification Process June 2021. Collection method: clinical testing. Allele origin: germline. Affected: yes.
Comment: Not observed at significant frequency in large population cohorts (gnomAD); In silico analysis supports that this missense variant does not alter protein structure/function; Has not been previously published as pathogenic or benign to our knowledge

Literature cited by the submitters: PubMed 29396561 (cited by 3 submitters).

NM_001035.3(RYR2):c.10846G>T (p.Ala3616Ser)

Gene: RYR2 (ryanodine receptor 2; plus strand). Cytogenetic location: 1q43.
Variant type: single nucleotide variant.
Coding change: c.10846G>T on transcript NM_001035.3 (MANE Select); coding-DNA position 10846, G replaced by T.
Protein change: p.Ala3616Ser; replaces alanine 3616 with serine.
Molecular consequence: missense variant.
Genome position (GRCh38, 1-based): chr1:237,730,267, G>T. VCF-style: chr1-237730267-G-T. GRCh37 (hg19) VCF-style: chr1-237893567-G-T.
Other names: short protein forms A3616S.
Identifiers: ClinVar variation 2443554 (VCV002443554.6), dbSNP rs1180462456, ClinGen allele CA345417762.